The following is an entry in ClinVar:

ClinVar aggregate classification (germline): Uncertain significance (1 of 4 stars; one submission).

Conditions:
Malignant hyperthermia, susceptibility to, 1 (MHS1). Also called: RYR1-Related Malignant Hyperthermia Susceptibility; Malignant hyperthermia suceptibility 1; Anesthesia related hyperthermia; Malignant hyperpyrexia; Fulminating hyperpyrexia; Pharmacogenic myopathy. Identifiers: Orphanet 423, MedGen C2930980, MONDO:0007783, OMIM 145600.

gnomAD v4.1: 7 of 1,614,112 alleles (0.00043%); highest among the groups gnomAD compares: East Asian, 0.0045%; no homozygotes.

Submission:

Color Diagnostics, LLC DBA Color Health
Classification: Uncertain significance for Malignant hyperthermia, susceptibility to, 1. Last evaluated: 2024-04-22. Review status: criteria provided, single submitter. Criteria: ACMG Guidelines, 2015. Collection method: clinical testing. Allele origin: germline.
Comment: This missense variant replaces valine with methionine at codon 347 of the RYR1 protein. Computational prediction is inconclusive regarding the impact of this variant on protein structure and function. To our knowledge, functional studies have not been reported for this variant. This variant has not been reported in individuals affected with RYR1-related disorders in the literature. This variant has been identified in 1/31392 chromosomes in the general population by the Genome Aggregation Database (gnomAD). The available evidence is insufficient to determine the role of this variant in disease conclusively. Therefore, this variant is classified as a Variant of Uncertain Significance.

NM_000540.3(RYR1):c.1039G>A (p.Val347Met)

Gene: RYR1 (ryanodine receptor 1; plus strand). Cytogenetic location: 19q13.2.
Variant type: single nucleotide variant.
Coding change: c.1039G>A on transcript NM_000540.3 (MANE Select); coding-DNA position 1039, G replaced by A.
Protein change: p.Val347Met; replaces valine 347 with methionine.
Molecular consequence: missense variant.
Genome position (GRCh38, 1-based): chr19:38,448,730, G>A. VCF-style: chr19-38448730-G-A. GRCh37 (hg19) VCF-style: chr19-38939370-G-A.
Other names: c.1039G>A, p.Val347Met (NM_001042723.2); short protein forms V347M.
Identifiers: ClinVar variation 4758658 (VCV004758658.1).